The following is an entry in ClinVar:

NM_004714.3(DYRK1B):c.954+10C>T

Gene: DYRK1B (dual specificity tyrosine phosphorylation regulated kinase 1B; minus strand). Cytogenetic location: 19q13.2.
Variant type: single nucleotide variant.
Coding change: c.954+10C>T on transcript NM_004714.3 (MANE Select); 10 bases into the intron after coding-DNA position 954, C replaced by T.
Molecular consequence: intron variant.
Genome position (GRCh38, 1-based): chr19:39,827,500, G>A on the plus strand (C>T on the coding strand, the complement: DYRK1B is on the minus strand). VCF-style: chr19-39827500-G-A. GRCh37 (hg19) VCF-style: chr19-40318140-G-A.
Other names: c.954+10C>T (NM_006483.3, NM_006484.3).
Identifiers: ClinVar variation 3355465 (VCV003355465.1).

ClinVar aggregate classification (germline): Likely benign (0 of 4 stars; one submission).

Conditions:
DYRK1B-related disorder. Also called: DYRK1B-related condition.

gnomAD v4.1: 5 of 1,612,662 alleles (0.00031%); highest among the groups gnomAD compares: Non-Finnish European, 0.00042%; no homozygotes.

Submission:

PreventionGenetics, part of Exact Sciences
Classification: Likely benign for DYRK1B-related condition. Last evaluated: 2021-10-08. Review status: no assertion criteria provided. Collection method: clinical testing. Allele origin: germline.
Comment: This variant is classified as likely benign based on ACMG/AMP sequence variant interpretation guidelines (Richards et al. 2015 PMID: 25741868, with internal and published modifications).